The following is an entry in ClinVar:

NM_016169.4(SUFU):c.398C>T (p.Pro133Leu)

Gene: SUFU (SUFU negative regulator of hedgehog signaling; plus strand). Cytogenetic location: 10q24.32.
Variant type: single nucleotide variant.
Coding change: c.398C>T on transcript NM_016169.4 (MANE Select); coding-DNA position 398, C replaced by T.
Protein change: p.Pro133Leu; replaces proline 133 with leucine.
Molecular consequence: missense variant.
Genome position (GRCh38, 1-based): chr10:102,550,050, C>T. VCF-style: chr10-102550050-C-T. GRCh37 (hg19) VCF-style: chr10-104309807-C-T.
Other names: c.398C>T, p.Pro133Leu (NM_001178133.2); short protein forms P133L.
Identifiers: ClinVar variation 2128268 (VCV002128268.5), dbSNP rs2544969566, ClinGen allele CA377903443.
Genomic context (GRCh38, chr10:102,550,050, plus strand): 5'-CTAGTGGTTTTGGCTTTGAGTTGACCTTTCGTCTGAAGAGAGAAACTGGGGAGTCTGCCC[C>T]ACCAACATGGCCCGCAGAGTTAATGCAGGGCTTGGCACGATACGTGTTCCAGTCAGGTAG-3'
Protein context (NP_057253.2, residues 123-143): RLKRETGESA[Pro133Leu]PTWPAELMQG

ClinVar aggregate classification (germline): Uncertain significance. Review status: criteria provided, multiple submitters, no conflicts (2 of 4 stars). 2 submissions from 2 submitters: Uncertain significance (2). Last evaluated 2024-10-27.

Conditions:
Gorlin syndrome. Also called: Basal cell nevus syndrome; Nevoid Basal Cell Carcinoma Syndrome. Identifiers: Orphanet 377, MedGen C0004779, MONDO:0007187.
Medulloblastoma (MDB). Also called: Medulloblastoma, somatic; MEDULLOBLASTOMA PREDISPOSITION SYNDROME. Identifiers: Orphanet 616, MedGen C0025149, MeSH D008527, MONDO:0007959, OMIM 155255, HP:0002885.
Hereditary cancer-predisposing syndrome. Also called: Hereditary Cancer Syndrome; Neoplastic Syndromes, Hereditary; Hereditary neoplastic syndrome; Tumor predisposition. Identifiers: Orphanet 140162, MedGen C0027672, MeSH D009386, MONDO:0015356.

Submissions (2):

Ambry Genetics
Classification: Uncertain significance for Hereditary cancer-predisposing syndrome. Last evaluated: 2024-10-27. Review status: criteria provided, single submitter. Criteria: Ambry Variant Classification Scheme 2023. Collection method: clinical testing. Allele origin: germline.
Comment: The p.P133L variant (also known as c.398C>T), located in coding exon 3 of the SUFU gene, results from a C to T substitution at nucleotide position 398. The proline at codon 133 is replaced by leucine, an amino acid with similar properties. This amino acid position is conserved. In addition, this alteration is predicted to be deleterious by in silico analysis. Based on the available evidence, the clinical significance of this variant remains unclear.

Labcorp Genetics (formerly Invitae), Labcorp
Classification: Uncertain significance for Gorlin syndrome; Medulloblastoma. Last evaluated: 2022-04-20. Review status: criteria provided, single submitter. Criteria: Invitae Variant Classification Sherloc (09022015). Collection method: clinical testing. Allele origin: germline.
Comment: This variant has not been reported in the literature in individuals affected with SUFU-related conditions. In summary, the available evidence is currently insufficient to determine the role of this variant in disease. Therefore, it has been classified as a Variant of Uncertain Significance. Algorithms developed to predict the effect of missense changes on protein structure and function (SIFT, PolyPhen-2, Align-GVGD) all suggest that this variant is likely to be disruptive. This variant is not present in population databases (gnomAD no frequency). This sequence change replaces proline, which is neutral and non-polar, with leucine, which is neutral and non-polar, at codon 133 of the SUFU protein (p.Pro133Leu).